The following is an entry in ClinVar:

ClinVar aggregate classification (germline): Uncertain significance (1 of 4 stars; one submission).

Conditions:
TEK-related disorder. Also called: TEK-related condition.

Submission:

PreventionGenetics, part of Exact Sciences
Classification: Uncertain significance for TEK-related condition. Last evaluated: 2024-11-06. Review status: criteria provided, single submitter. Criteria: ACMG Guidelines, 2015. Collection method: clinical testing. Allele origin: germline.
Comment: The TEK c.3200+2dupT variant is predicted to result in an intronic duplication. To our knowledge, this variant has not been reported in the literature or in a large population database (gnomAD), indicating this variant is rare. Although we suspect that this variant may be pathogenic, at this time, the clinical significance of this variant is uncertain due to the absence of conclusive functional and genetic evidence.

NM_000459.5(TEK):c.3200+2dup

Gene: TEK (TEK receptor tyrosine kinase; plus strand). Cytogenetic location: 9p21.2.
Variant type: Duplication.
Coding change: c.3200+2dup on transcript NM_000459.5 (MANE Select); the canonical splice donor site of the intron after coding-DNA position 3200, one base duplicated (T; older notation c.3200+2dupT).
Molecular consequence: splice donor variant.
Genome position (GRCh38, 1-based): chr9:27,220,147, T duplicated. VCF-style (leftmost placement, unchanged base first): chr9-27220146-G-GT. GRCh37 (hg19) VCF-style: chr9-27220144-G-GT.
Other names: c.3071+2dup (NM_001290077.2); c.2756+2dup (NM_001290078.2); c.3197+2dup (NM_001375475.1); c.3068+2dup (NM_001375476.1).
Identifiers: ClinVar variation 5001542 (VCV005001542.1).